The following is an entry in ClinVar:

NM_058216.3(RAD51C):c.965+19T>C

Gene: RAD51C (RAD51 paralog C; plus strand). Cytogenetic location: 17q22.
Variant type: single nucleotide variant.
Coding change: c.965+19T>C on transcript NM_058216.3 (MANE Select); 19 bases into the intron after coding-DNA position 965, T replaced by C.
Molecular consequence: intron variant.
Genome position (GRCh38, 1-based): chr17:58,724,119, T>C. VCF-style: chr17-58724119-T-C. GRCh37 (hg19) VCF-style: chr17-56801480-T-C.
Other names: c.965+19T>C (NM_058216.1).
Identifiers: ClinVar variation 492401 (VCV000492401.5), dbSNP rs1368997812, ClinGen allele CA626737572.

ClinVar aggregate classification (germline): Conflicting classifications of pathogenicity. Review status: criteria provided, conflicting classifications (1 of 4 stars). 3 submissions from 3 submitters: Uncertain significance (1); Likely benign (2). Last evaluated 2026-01-20.

Conditions:
Hereditary cancer-predisposing syndrome. Also called: Tumor predisposition; Neoplastic Syndromes, Hereditary; Hereditary Cancer Syndrome; Hereditary neoplastic syndrome. Identifiers: Orphanet 140162, MedGen C0027672, MeSH D009386, MONDO:0015356.
Fanconi anemia complementation group O. Also called: RAD51C-Related Fanconi Anemia. Identifiers: Orphanet 84, MedGen C3150653, MONDO:0013248, OMIM 613390.

Allele frequency attached by ClinVar (database versions not stated): gnomAD exomes below 0.00001.

Submissions (3):

Labcorp Genetics (formerly Invitae), Labcorp
Classification: Likely benign for Fanconi anemia complementation group O. Last evaluated: 2026-01-20. Review status: criteria provided, single submitter. Criteria: Invitae Variant Classification Sherloc (09022015). Collection method: clinical testing. Allele origin: germline.

Color Diagnostics, LLC DBA Color Health
Classification: Likely benign for Hereditary cancer-predisposing syndrome. Last evaluated: 2016-05-11. Review status: criteria provided, single submitter. Criteria: ACMG Guidelines, 2015. Collection method: clinical testing. Allele origin: germline.

Ambry Genetics
Classification: Uncertain significance for Hereditary cancer-predisposing syndrome. Last evaluated: 2015-06-06. Review status: criteria provided, single submitter. Criteria: Ambry Variant Classification Scheme 2023. Collection method: clinical testing. Allele origin: germline.
Comment: The c.965+19T>C intronic alteration consists of a T to C substitution 9 nucleotides after coding exon 7 in the RAD51C gene. Based on insufficient or conflicting evidence, the clinical significance of this alteration remains unclear.